The following is an entry in ClinVar:

NM_152383.5(DIS3L2):c.1466G>A (p.Cys489Tyr)

Gene: DIS3L2 (DIS3 like 3'-5' exoribonuclease 2; plus strand). Cytogenetic location: 2q37.1.
Variant type: single nucleotide variant.
Coding change: c.1466G>A on transcript NM_152383.5 (MANE Select); coding-DNA position 1466, G replaced by A.
Protein change: p.Cys489Tyr; replaces cysteine 489 with tyrosine.
Molecular consequence: missense variant. On other transcripts: non-coding transcript variant (2).
Genome position (GRCh38, 1-based): chr2:232,263,247, G>A. VCF-style: chr2-232263247-G-A. GRCh37 (hg19) VCF-style: chr2-233127957-G-A.
Other names: c.1466G>A, p.Cys489Tyr (NM_001257281.2); short protein forms C489Y.
Identifiers: ClinVar variation 31125 (VCV000031125.8), dbSNP rs387907116, ClinGen allele CA129697.

ClinVar aggregate classification (germline): Uncertain significance. Review status: criteria provided, single submitter (1 of 4 stars). 2 submissions from 2 submitters: Uncertain significance (1). 1 of the submissions does not count toward it. Last evaluated 2022-09-25.

Conditions:
Perlman syndrome (PRLMNS). Identifiers: Orphanet 2849, MedGen C0796113, MONDO:0009965, OMIM 267000.

Submissions (2):

Labcorp Genetics (formerly Invitae), Labcorp
Classification: Uncertain significance for Perlman syndrome. Last evaluated: 2022-09-25. Review status: criteria provided, single submitter. Criteria: Invitae Variant Classification Sherloc (09022015). Collection method: clinical testing. Allele origin: germline.
Comment: ClinVar contains an entry for this variant (Variation ID: 31125). This sequence change replaces cysteine, which is neutral and slightly polar, with tyrosine, which is neutral and polar, at codon 489 of the DIS3L2 protein (p.Cys489Tyr). This variant is not present in population databases (gnomAD no frequency). This missense change has been observed in individual(s) with Perlman syndrome (PMID: 22306653). Advanced modeling of protein sequence and biophysical properties (such as structural, functional, and spatial information, amino acid conservation, physicochemical variation, residue mobility, and thermodynamic stability) performed at Invitae indicates that this missense variant is expected to disrupt DIS3L2 protein function. In summary, the available evidence is currently insufficient to determine the role of this variant in disease. Therefore, it has been classified as a Variant of Uncertain Significance.

OMIM
Classification: Pathogenic for PERLMAN SYNDROME. Last evaluated: 2012-02-05. Review status: no assertion criteria provided. Collection method: literature only. Allele origin: germline. Not counted in ClinVar's aggregate classification.

Literature cited by the submitters: PubMed 22306653 (cited by Labcorp Genetics (formerly Invitae), Labcorp and OMIM).